The following is an entry in ClinVar:

NM_003172.4(SURF1):c.579_580del (p.Lys194fs)

Gene: SURF1 (SURF1 cytochrome c oxidase assembly factor; minus strand). Cytogenetic location: 9q34.2.
Variant type: Deletion.
Coding change: c.579_580del on transcript NM_003172.4 (MANE Select); coding-DNA positions 579 to 580, 2 bases deleted (GA; older notation c.579_580delGA).
Protein change: p.Lys194fs; shifts the reading frame from lysine 194.
Molecular consequence: frameshift variant.
Genome position (GRCh38, 1-based): chr9:133,352,702-133,352,703, TC deleted on the plus strand (GA on the coding strand, the reverse complement: SURF1 is on the minus strand); deleting any 2 consecutive bases within chr9:133,352,702-133,352,704 gives the same sequence; the c. name uses the placement nearest the transcript's 3' end. VCF-style (leftmost placement, unchanged base first): chr9-133352701-TTC-T. GRCh37 (hg19) VCF-style: chr9-136219556-TTC-T.
Other names: c.252_253del, p.Lys85fs (NM_001280787.1); short protein forms K194fs, K85fs.
Identifiers: ClinVar variation 2983889 (VCV002983889.3), dbSNP rs1836461848, ClinGen allele CA1129731803.
Genomic context (GRCh38, chr9:133,352,701, plus strand): 5'-CCTGGTGGACTCCCAGAGCCTTCTCTAAAGTAGGAAGAGTCCATGTCCCTTACCTGGCCT[TTC>T]TGCCGGGTTTCAGGATTCACTTTCTTCCTGGGAACGAACCCTCTATTTACCAGGATGGTG-3'

ClinVar aggregate classification (germline): Pathogenic (1 of 4 stars; one submission).

Conditions:
Leigh syndrome (NULS). Also called: Leigh's necrotizing encephalopathy; Leigh's disease; LEIGH SYNDROME, NUCLEAR; Leigh Syndrome (mtDNA deletion); Leigh's syndrome; Subacute necrotizing encephalopathy. Identifiers: Orphanet 506, MedGen C2931891, MONDO:0009723, OMIM 256000.

Submission:

Labcorp Genetics (formerly Invitae), Labcorp
Classification: Pathogenic for Leigh syndrome. Last evaluated: 2023-03-22. Review status: criteria provided, single submitter. Criteria: Invitae Variant Classification Sherloc (09022015). Collection method: clinical testing. Allele origin: germline.
Comment: For these reasons, this variant has been classified as Pathogenic. This variant has not been reported in the literature in individuals affected with SURF1-related conditions. This variant is not present in population databases (gnomAD no frequency). This sequence change creates a premature translational stop signal (p.Lys194Argfs*4) in the SURF1 gene. It is expected to result in an absent or disrupted protein product. Loss-of-function variants in SURF1 are known to be pathogenic (PMID: 10443880, 22488715, 24027061).

Literature cited by the submitters: PubMed 10443880; PubMed 22488715; PubMed 24027061.